The following is an entry in ClinVar:

NM_015267.4(CUX2):c.3820G>A (p.Glu1274Lys)

Gene: CUX2 (cut like homeobox 2; plus strand). Cytogenetic location: 12q24.12.
Variant type: single nucleotide variant.
Coding change: c.3820G>A on transcript NM_015267.4 (MANE Select); coding-DNA position 3820, G replaced by A.
Protein change: p.Glu1274Lys; replaces glutamic acid 1274 with lysine.
Molecular consequence: missense variant.
Genome position (GRCh38, 1-based): chr12:111,347,684, G>A. VCF-style: chr12-111347684-G-A. GRCh37 (hg19) VCF-style: chr12-111785488-G-A.
Other names: c.3634G>A, p.Glu1212Lys (NM_001370598.1); short protein forms E1274K, E1212K.
Identifiers: ClinVar variation 4992190 (VCV004992190.1).

ClinVar aggregate classification (germline): Uncertain significance (1 of 4 stars; one submission).

Conditions:
CUX2-related disorder. Also called: CUX2-related condition.

Submission:

PreventionGenetics, part of Exact Sciences
Classification: Uncertain significance for CUX2-related condition. Last evaluated: 2026-06-11. Review status: criteria provided, single submitter. Criteria: ACMG Guidelines, 2015. Collection method: clinical testing. Allele origin: germline.
Comment: The CUX2 c.3820G>A variant is predicted to result in the amino acid substitution p.Glu1274Lys. To our knowledge, this variant has not been reported in the literature or in a large population database (gnomAD), indicating this variant is rare. At this time, the clinical significance of this variant is uncertain due to the absence of conclusive functional and genetic evidence.